The following is an entry in ClinVar:

ClinVar aggregate classification (germline): Benign/Likely benign. Review status: criteria provided, multiple submitters, no conflicts (2 of 4 stars). 4 submissions from 4 submitters: Benign (1); Likely benign (3). Last evaluated 2026-02-01.

Conditions:
Inborn genetic diseases. Identifiers: MedGen C0950123, MeSH D030342.
SAMD9-related disorder. Also called: SAMD9-related condition.

Allele frequency attached by ClinVar (database versions not stated): gnomAD 0.00004 and 0.00006; gnomAD exomes 0.00004 and 0.00013; TOPMed 0.00008; ExAC 0.00010; 1000 Genomes Project 0.00040; 1000 Genomes Project 30x 0.00047.
gnomAD v4.1: 72 of 1,613,996 alleles (0.0045%); highest among the groups gnomAD compares: East Asian, 0.12%; 1 homozygote.

Submissions (4):

Labcorp Genetics (formerly Invitae), Labcorp
Classification: Benign. Last evaluated: 2026-02-01. Review status: criteria provided, single submitter. Criteria: Invitae Variant Classification Sherloc (09022015). Collection method: clinical testing. Allele origin: germline.

PreventionGenetics, part of Exact Sciences
Classification: Likely benign for SAMD9-related condition. Last evaluated: 2025-05-29. Review status: criteria provided, single submitter. Criteria: ACMG Guidelines, 2015. Collection method: clinical testing. Allele origin: germline.
Comment: This variant is classified as likely benign based on ACMG/AMP sequence variant interpretation guidelines (Richards et al. 2015 PMID: 25741868, with internal and published modifications).

Ambry Genetics
Classification: Likely benign for Inborn genetic diseases. Last evaluated: 2024-10-15. Review status: criteria provided, single submitter. Criteria: Ambry Variant Classification Scheme 2023. Collection method: clinical testing. Allele origin: germline.

Blueprint Genetics
Classification: Likely benign. Last evaluated: 2024-06-11. Review status: criteria provided, single submitter. Criteria: ACMG Guidelines, 2015. Collection method: clinical testing. Allele origin: germline.

NM_017654.4(SAMD9):c.765T>C (p.Asp255=)

Gene: SAMD9 (sterile alpha motif domain containing 9; minus strand). Cytogenetic location: 7q21.2.
Variant type: single nucleotide variant.
Coding change: c.765T>C on transcript NM_017654.4 (MANE Select); coding-DNA position 765, T replaced by C.
Protein change: p.Asp255=; no amino-acid change (aspartic acid 255 retained).
Molecular consequence: synonymous variant.
Genome position (GRCh38, 1-based): chr7:93,105,333, A>G on the plus strand (T>C on the coding strand, the complement: SAMD9 is on the minus strand). VCF-style: chr7-93105333-A-G. GRCh37 (hg19) VCF-style: chr7-92734646-A-G.
Other names: c.765T>C, p.Asp255= (NM_001193307.2).
Identifiers: ClinVar variation 713225 (VCV000713225.12), dbSNP rs201988689, ClinGen allele CA4343079.